The following is an entry in ClinVar:

NM_000548.5(TSC2):c.4063A>G (p.Arg1355Gly)

Gene: TSC2 (TSC complex subunit 2; plus strand). Cytogenetic location: 16p13.3.
Variant type: single nucleotide variant.
Coding change: c.4063A>G on transcript NM_000548.5 (MANE Select); coding-DNA position 4063, A replaced by G.
Protein change: p.Arg1355Gly; replaces arginine 1355 with glycine.
Molecular consequence: missense variant.
Genome position (GRCh38, 1-based): chr16:2,084,285, A>G. VCF-style: chr16-2084285-A-G. GRCh37 (hg19) VCF-style: chr16-2134286-A-G.
Other names: c.3862A>G, p.Arg1288Gly (NM_001077183.3); c.3994A>G, p.Arg1332Gly (NM_001114382.3); c.3754A>G, p.Arg1252Gly (NM_001318827.2); c.3718A>G, p.Arg1240Gly (NM_001318829.2); c.3331A>G, p.Arg1111Gly (NM_001318831.2); c.3895A>G, p.Arg1299Gly (NM_001318832.2); c.3865A>G, p.Arg1289Gly (NM_001363528.2); c.3931A>G, p.Arg1311Gly (NM_001370404.1); and 1 more; short protein forms R1355G, R1111G, R1252G, R1332G, R1288G, R1299G, R1311G, R1240G.
Identifiers: ClinVar variation 468061 (VCV000468061.23), dbSNP rs1555513911, ClinGen allele CA394299372.
Genomic context (GRCh38, chr16:2,084,285, plus strand): 5'-TAGTCGTCCTCAGTCTCCAGCCAGGAGGAGAAGTCGCTCCACGCGGAGGAGCTGGTTGGC[A>G]GGGGCATCCCCATCGAGCGAGTCGTCTCCTCGGAGGGTGGCCGGCCCTCTGTGGACCTCT-3'
Protein context (NP_000539.2, residues 1345-1365): KSLHAEELVG[Arg1355Gly]GIPIERVVSS

ClinVar aggregate classification (germline): Conflicting classifications of pathogenicity. Review status: criteria provided, conflicting classifications (1 of 4 stars). 8 submissions from 8 submitters: Uncertain significance (3); Likely benign (5). Last evaluated 2026-04-01.

Conditions:
Tuberous sclerosis 2 (TSC2). Identifiers: Orphanet 805, MedGen C1860707, MONDO:0013199, OMIM 613254.
Tuberous sclerosis syndrome (TSC). Also called: Tuberous Sclerosis Complex; Tuberous sclerosis. Identifiers: Orphanet 805, MedGen C0041341, MONDO:0001734.
Lymphangiomyomatosis (LAM). Also called: Lymphangioleiomyomatosis; Lymphangioleiomyomatosis, somatic. Identifiers: Orphanet 538, MedGen C0751674, MONDO:0011705, OMIM 606690.
Isolated focal cortical dysplasia type II (FCORD2). Also called: Focal cortical dysplasia type II; CORTICAL DYSPLASIA OF TAYLOR. Identifiers: Orphanet 268994, MedGen C1846385, MONDO:0011818, OMIM 607341, HP:0032051.
Hereditary cancer-predisposing syndrome. Also called: Hereditary neoplastic syndrome; Tumor predisposition; Neoplastic Syndromes, Hereditary; Hereditary Cancer Syndrome. Identifiers: Orphanet 140162, MedGen C0027672, MeSH D009386, MONDO:0015356.

gnomAD v4.1: 1 of 1,612,242 alleles (0.000062%); highest among the groups gnomAD compares: Middle Eastern, 0.016%; no homozygotes.

Submissions (8):

CeGaT Center for Human Genetics Tuebingen
Classification: Uncertain significance. Last evaluated: 2026-04-01. Review status: criteria provided, single submitter. Criteria: CeGaT Center For Human Genetics Tuebingen Variant Classification Criteria Version 2. Collection method: clinical testing. Allele origin: germline. Affected: yes. Observed: 1 variant allele.
Comment: TSC2: PM2, BP4

Labcorp Genetics (formerly Invitae), Labcorp
Classification: Likely benign for Tuberous sclerosis 2. Last evaluated: 2025-12-17. Review status: criteria provided, single submitter. Criteria: Invitae Variant Classification Sherloc (09022015). Collection method: clinical testing. Allele origin: germline.

Blueprint Genetics
Classification: Likely benign. Last evaluated: 2024-11-07. Review status: criteria provided, single submitter. Criteria: ACMG Guidelines, 2015. Collection method: clinical testing. Allele origin: germline.

Ambry Genetics
Classification: Likely benign for Hereditary cancer-predisposing syndrome. Last evaluated: 2023-09-20. Review status: criteria provided, single submitter. Criteria: Ambry Variant Classification Scheme 2023. Collection method: clinical testing. Allele origin: germline.

All of Us Research Program, National Institutes of Health
Classification: Uncertain significance for Tuberous sclerosis syndrome. Last evaluated: 2023-03-28. Review status: criteria provided, single submitter. Criteria: ACMG Guidelines, 2015. Collection method: clinical testing. Allele origin: germline. Inheritance: Autosomal dominant inheritance. Observed: 1 variant allele, 1 heterozygote.
Comment: This study involves interpretation of variants in research participants for the purpose of population health screening. Participant phenotype was not available at the time of variant classification. Additional details can be found in publication PMID: 35346344, PMCID: PMC8962531

Genome-Nilou Lab
Classification: Likely benign for Tuberous sclerosis 2. Last evaluated: 2021-11-07. Review status: criteria provided, single submitter. Criteria: ACMG Guidelines, 2015. Collection method: clinical testing. Allele origin: germline. Affected: no.

GeneDx
Classification: Likely benign. Last evaluated: 2019-03-06. Review status: criteria provided, single submitter. Criteria: GeneDx Variant Classification Process June 2021. Collection method: clinical testing. Allele origin: germline. Affected: yes.

Fulgent Genetics
Classification: Uncertain significance for Lymphangiomyomatosis; Isolated focal cortical dysplasia type II; Tuberous sclerosis 2. Last evaluated: 2018-10-31. Review status: criteria provided, single submitter. Criteria: ACMG Guidelines, 2015. Collection method: clinical testing. Allele origin: unknown.